The following is an entry in ClinVar:

ClinVar aggregate classification (germline): Likely benign (1 of 4 stars; one submission).

Submission:

Biesecker Lab/Clinical Genomics Section, National Institutes of Health
Classification: Likely benign. Last evaluated: 2013-06-24. Review status: criteria provided, single submitter. Criteria: Ng et al. (Circ Cardiovasc Genet. 2013). Collection method: research. Allele origin: unknown. Observed: 3 variant alleles. Study: ClinSeq.
Comment: The study set was not selected for affection status in relation to any cancer. Pathogenicity categories were based on literature curation. See Pubmed ID:23861362 for details.

Medical sequencing

NM_001267550.2(TTN):c.102750A>G (p.Thr34250=)

Genes: TTN (titin; minus strand), TTN-AS1 (TTN antisense RNA 1; plus strand). Cytogenetic location: 2q31.2.
Variant type: single nucleotide variant.
Coding change: c.102750A>G on transcript NM_001267550.2 (MANE Select); coding-DNA position 102750, A replaced by G.
Protein change: p.Thr34250=; no amino-acid change (threonine 34250 retained).
Molecular consequence: synonymous variant.
Genome position (GRCh38, 1-based): chr2:178,533,865, T>C on the plus strand (A>G on the coding strand, the complement: TTN is on the minus strand). VCF-style: chr2-178533865-T-C. GRCh37 (hg19) VCF-style: chr2-179398592-T-C.
Other names: c.97827A>G, p.Thr32609= (NM_001256850.1); c.75555A>G, p.Thr25185= (NM_003319.4); c.95046A>G, p.Thr31682= (NM_133378.4); c.75930A>G, p.Thr25310= (NM_133432.3); c.76131A>G, p.Thr25377= (NM_133437.4).
Identifiers: ClinVar variation 192137 (VCV000192137.1), dbSNP rs786205322, ClinGen allele CA238444.